The following is an entry in ClinVar:

NM_014780.5(CUL7):c.3408A>T (p.Pro1136=)

Gene: CUL7 (cullin 7; minus strand). Cytogenetic location: 6p21.1.
Variant type: single nucleotide variant.
Coding change: c.3408A>T on transcript NM_014780.5 (MANE Select); coding-DNA position 3408, A replaced by T.
Protein change: p.Pro1136=; no amino-acid change (proline 1136 retained).
Molecular consequence: synonymous variant.
Genome position (GRCh38, 1-based): chr6:43,043,128, T>A on the plus strand (A>T on the coding strand, the complement: CUL7 is on the minus strand). VCF-style: chr6-43043128-T-A. GRCh37 (hg19) VCF-style: chr6-43010866-T-A.
Other names: c.3504A>T, p.Pro1168= (NM_001168370.2, NM_001374872.1); c.3408A>T, p.Pro1136= (NM_001374873.1); c.3405A>T, p.Pro1135= (NM_001374874.1).
Identifiers: ClinVar variation 1614809 (VCV001614809.31), dbSNP rs200038940, ClinGen allele CA3813498.

ClinVar aggregate classification (germline): Likely benign. Review status: criteria provided, multiple submitters, no conflicts (2 of 4 stars). 2 submissions from 2 submitters: Likely benign (2). Last evaluated 2026-01-26.

Allele frequency attached by ClinVar (database versions not stated): ExAC 0.00001; gnomAD exomes 0.00001 and 0.00003; gnomAD 0.00002; TOPMed 0.00002; ESP Exome Variant Server 0.00008.

Submissions (2):

Labcorp Genetics (formerly Invitae), Labcorp
Classification: Likely benign. Last evaluated: 2026-01-26. Review status: criteria provided, single submitter. Criteria: Invitae Variant Classification Sherloc (09022015). Collection method: clinical testing. Allele origin: germline.

CeGaT Center for Human Genetics Tuebingen
Classification: Likely benign. Last evaluated: 2022-07-01. Review status: criteria provided, single submitter. Criteria: CeGaT Center For Human Genetics Tuebingen Variant Classification Criteria Version 2. Collection method: clinical testing. Allele origin: germline. Affected: yes. Observed: 1 variant allele.
Comment: CUL7: BP4, BP7